The following is an entry in ClinVar:

NM_006306.4(SMC1A):c.2524G>A (p.Val842Met)

Gene: SMC1A (structural maintenance of chromosomes 1A; minus strand). Cytogenetic location: Xp11.22.
Variant type: single nucleotide variant.
Coding change: c.2524G>A on transcript NM_006306.4 (MANE Select); coding-DNA position 2524, G replaced by A.
Protein change: p.Val842Met; replaces valine 842 with methionine.
Molecular consequence: missense variant.
Genome position (GRCh38, 1-based): chrX:53,399,627, C>T on the plus strand (G>A on the coding strand, the complement: SMC1A is on the minus strand). VCF-style: chrX-53399627-C-T. GRCh37 (hg19) VCF-style: chrX-53426549-C-T.
Other names: c.2458G>A, p.Val820Met (NM_001281463.1); short protein forms V820M, V842M.
Identifiers: ClinVar variation 3625131 (VCV003625131.2).

ClinVar aggregate classification (germline): Uncertain significance (1 of 4 stars; one submission).

Conditions:
Congenital muscular hypertrophy-cerebral syndrome (CDLS2). Also called: Cornelia de Lange syndrome 2; SMC1A-Related Cornelia de Lange Syndrome. Identifiers: Orphanet 199, MedGen C1802395, MONDO:0010370, OMIM 300590.

gnomAD v4.1: 1 of 1,208,617 alleles (0.000083%); highest among the groups gnomAD compares: Non-Finnish European, 0.00011%; no homozygotes.

Submission:

Labcorp Genetics (formerly Invitae), Labcorp
Classification: Uncertain significance for Congenital muscular hypertrophy-cerebral syndrome. Last evaluated: 2024-12-30. Review status: criteria provided, single submitter. Criteria: Invitae Variant Classification Sherloc (09022015). Collection method: clinical testing. Allele origin: germline.
Comment: This sequence change replaces valine, which is neutral and non-polar, with methionine, which is neutral and non-polar, at codon 842 of the SMC1A protein (p.Val842Met). This variant is not present in population databases (gnomAD no frequency). This variant has not been reported in the literature in individuals affected with SMC1A-related conditions. Invitae Evidence Modeling of protein sequence and biophysical properties (such as structural, functional, and spatial information, amino acid conservation, physicochemical variation, residue mobility, and thermodynamic stability) indicates that this missense variant is not expected to disrupt SMC1A protein function with a negative predictive value of 80%. In summary, the available evidence is currently insufficient to determine the role of this variant in disease. Therefore, it has been classified as a Variant of Uncertain Significance.